The following is an entry in ClinVar:

NM_001162501.2(TNRC6B):c.475GCT[1] (p.Ala160_Ala161del)

Gene: TNRC6B (trinucleotide repeat containing adaptor 6B; plus strand). Cytogenetic location: 22q13.1.
Variant type: Microsatellite.
Coding change: c.475GCT[1] on transcript NM_001162501.2 (MANE Select); one copy of the 3-base unit GCT starting at c.475; the reference has three copies in a row; two copies, 6 bases deleted.
Protein change: p.Ala160_Ala161del.
Molecular consequence: intron variant (on NM_001024843.2).
Genome position (GRCh38, 1-based): chr22:40,264,708-40,264,713, GCTGCT deleted; deleting any 6 consecutive bases within chr22:40,264,704-40,264,713 gives the same sequence; the position shown is the placement nearest the transcript's 3' end. VCF-style (leftmost placement, unchanged base first): chr22-40264703-GTGCTGC-G. GRCh37 (hg19) VCF-style: chr22-40660707-GTGCTGC-G.
Other names: c.475GCT[1], p.Ala160_Ala161del (NM_015088.3); c.565+2535_565+2540del (NM_001024843.2).
Identifiers: ClinVar variation 3378272 (VCV003378272.1).

ClinVar aggregate classification (germline): Uncertain significance (1 of 4 stars; one submission).

Submission:

GeneDx
Classification: Uncertain significance. Last evaluated: 2024-05-15. Review status: criteria provided, single submitter. Criteria: GeneDx Variant Classification Process June 2021. Collection method: clinical testing. Allele origin: germline. Affected: yes.
Comment: Not observed at significant frequency in large population cohorts (gnomAD); In-frame deletion of 2 amino acids in a non-repeat region; In silico analysis indicates that this variant does not alter protein structure/function; Has not been previously published as pathogenic or benign to our knowledge